The following is an entry in ClinVar:

NM_014140.4(SMARCAL1):c.29G>T (p.Arg10Met)

Gene: SMARCAL1 (SNF2 related chromatin remodeling annealing helicase 1; plus strand). Cytogenetic location: 2q35.
Variant type: single nucleotide variant.
Coding change: c.29G>T on transcript NM_014140.4 (MANE Select); coding-DNA position 29, G replaced by T.
Protein change: p.Arg10Met; replaces arginine 10 with methionine.
Molecular consequence: missense variant.
Genome position (GRCh38, 1-based): chr2:216,414,733, G>T. VCF-style: chr2-216414733-G-T. GRCh37 (hg19) VCF-style: chr2-217279456-G-T.
Other names: c.29G>T, p.Arg10Met (NM_001127207.2); short protein forms R10M.
Identifiers: ClinVar variation 2009523 (VCV002009523.3), dbSNP rs775840273, ClinGen allele CA65577565.

ClinVar aggregate classification (germline): Uncertain significance (1 of 4 stars; one submission).

Conditions:
Schimke immuno-osseous dysplasia (SIOD). Also called: Schimke Immunoosseous Dysplasia. Identifiers: Orphanet 1830, MedGen C0877024, MONDO:0009458, OMIM 242900.

Allele frequency attached by ClinVar (database versions not stated): TOPMed below 0.00001; gnomAD 0.00001.
gnomAD v4.1: 2 of 1,614,112 alleles (0.00012%); highest among the groups gnomAD compares: African/African-American, 0.0027%; no homozygotes.

Submission:

Labcorp Genetics (formerly Invitae), Labcorp
Classification: Uncertain significance for Schimke immuno-osseous dysplasia. Last evaluated: 2024-10-29. Review status: criteria provided, single submitter. Criteria: Invitae Variant Classification Sherloc (09022015). Collection method: clinical testing. Allele origin: germline.
Comment: This sequence change replaces arginine, which is basic and polar, with methionine, which is neutral and non-polar, at codon 10 of the SMARCAL1 protein (p.Arg10Met). This variant is present in population databases (no rsID available, gnomAD 0.008%). This variant has not been reported in the literature in individuals affected with SMARCAL1-related conditions. ClinVar contains an entry for this variant (Variation ID: 2009523). Invitae Evidence Modeling of protein sequence and biophysical properties (such as structural, functional, and spatial information, amino acid conservation, physicochemical variation, residue mobility, and thermodynamic stability) indicates that this missense variant is not expected to disrupt SMARCAL1 protein function with a negative predictive value of 80%. In summary, the available evidence is currently insufficient to determine the role of this variant in disease. Therefore, it has been classified as a Variant of Uncertain Significance.